The following is an entry in ClinVar:

NM_001376.5(DYNC1H1):c.10198-15A>G

Gene: DYNC1H1 (dynein cytoplasmic 1 heavy chain 1; plus strand). Cytogenetic location: 14q32.31.
Variant type: single nucleotide variant.
Coding change: c.10198-15A>G on transcript NM_001376.5 (MANE Select); 15 bases into the intron before coding-DNA position 10198, A replaced by G.
Molecular consequence: intron variant.
Genome position (GRCh38, 1-based): chr14:102,033,254, A>G. VCF-style: chr14-102033254-A-G. GRCh37 (hg19) VCF-style: chr14-102499591-A-G.
Identifiers: ClinVar variation 2894573 (VCV002894573.3), dbSNP rs755251985, ClinGen allele CA7353376.

ClinVar aggregate classification (germline): Uncertain significance (1 of 4 stars; one submission).

Conditions:
Charcot-Marie-Tooth disease axonal type 2O. Also called: Charcot-Marie-Tooth disease, axonal, type 20; CHARCOT-MARIE-TOOTH NEUROPATHY, AXONAL, TYPE 2O; CHARCOT-MARIE-TOOTH DISEASE, AXONAL, AUTOSOMAL DOMINANT, TYPE 2O; Charcot-Marie-Tooth Neuropathy Type 2O. Identifiers: Orphanet 284232, MedGen C3280220, MONDO:0013644, OMIM 614228.

Allele frequency attached by ClinVar (database versions not stated): gnomAD exomes below 0.00001; ExAC 0.00001.
gnomAD v4.1: 5 of 1,614,176 alleles (0.00031%); highest among the groups gnomAD compares: Non-Finnish European, 0.00042%; no homozygotes.

Submission:

Labcorp Genetics (formerly Invitae), Labcorp
Classification: Uncertain significance for Charcot-Marie-Tooth disease axonal type 2O. Last evaluated: 2023-05-21. Review status: criteria provided, single submitter. Criteria: Invitae Variant Classification Sherloc (09022015). Collection method: clinical testing. Allele origin: germline.
Comment: This sequence change falls in intron 53 of the DYNC1H1 gene. It does not directly change the encoded amino acid sequence of the DYNC1H1 protein. In summary, the available evidence is currently insufficient to determine the role of this variant in disease. Therefore, it has been classified as a Variant of Uncertain Significance. Algorithms developed to predict the effect of sequence changes on RNA splicing suggest that this variant may create or strengthen a splice site. This variant has not been reported in the literature in individuals affected with DYNC1H1-related conditions. This variant is present in population databases (rs755251985, gnomAD 0.002%).